The following is an entry in ClinVar:

ClinVar aggregate classification (germline): Pathogenic (1 of 4 stars; one submission).

Conditions:
Fucosidosis. Also called: ALPHA-L-FUCOSIDASE DEFICIENCY. Identifiers: Orphanet 349, MedGen C0016788, MONDO:0009254, OMIM 230000.

Submission:

Labcorp Genetics (formerly Invitae), Labcorp
Classification: Pathogenic for Fucosidosis. Last evaluated: 2023-09-01. Review status: criteria provided, single submitter. Criteria: Invitae Variant Classification Sherloc (09022015). Collection method: clinical testing. Allele origin: germline.
Comment: For these reasons, this variant has been classified as Pathogenic. This variant has not been reported in the literature in individuals affected with FUCA1-related conditions. This variant is not present in population databases (gnomAD no frequency). This sequence change creates a premature translational stop signal (p.Pro99Alafs*69) in the FUCA1 gene. It is expected to result in an absent or disrupted protein product. Loss-of-function variants in FUCA1 are known to be pathogenic (PMID: 10094192).

Literature cited by the submitters: PubMed 10094192.

NM_000147.5(FUCA1):c.293dup (p.Pro99fs)

Gene: FUCA1 (alpha-L-fucosidase 1; minus strand). Cytogenetic location: 1p36.11.
Variant type: Duplication.
Coding change: c.293dup on transcript NM_000147.5 (MANE Select); coding-DNA position 293, one base duplicated (C; older notation c.293dupC).
Protein change: p.Pro99fs; shifts the reading frame from proline 99.
Molecular consequence: frameshift variant. On other transcripts: non-coding transcript variant (4).
Genome position (GRCh38, 1-based): chr1:23,867,994, G duplicated on the plus strand (C on the coding strand, the reverse complement: FUCA1 is on the minus strand); the first of 3 consecutive G bases (chr1:23,867,994-23,867,996); duplicating any one gives the same sequence. VCF-style (leftmost placement, unchanged base first): chr1-23867993-C-CG. GRCh37 (hg19) VCF-style: chr1-24194483-C-CG.
Other names: short protein forms P99fs.
Identifiers: ClinVar variation 2757124 (VCV002757124.3), dbSNP rs2521759907, ClinGen allele CA2697552284.